The following is an entry in ClinVar:

ClinVar aggregate classification (germline): Uncertain significance (1 of 4 stars; one submission).

Conditions:
Hereditary pheochromocytoma and paraganglioma. Also called: Hereditary paragangliomas and pheochromocytomas; Hereditary Paraganglioma-Pheochromocytoma Syndromes; Hereditary pheochromocytoma-paraganglioma. Identifiers: Orphanet 29072, MedGen C4274332, MONDO:0017366.

Submission:

Labcorp Genetics (formerly Invitae), Labcorp
Classification: Uncertain significance for Hereditary pheochromocytoma and paraganglioma. Last evaluated: 2023-08-14. Review status: criteria provided, single submitter. Criteria: Invitae Variant Classification Sherloc (09022015). Collection method: clinical testing. Allele origin: germline.
Comment: In summary, the available evidence is currently insufficient to determine the role of this variant in disease. Therefore, it has been classified as a Variant of Uncertain Significance. Algorithms developed to predict the effect of sequence changes on RNA splicing suggest that this variant may disrupt the consensus splice site. Experimental studies and prediction algorithms are not available or were not evaluated, and the functional significance of this variant is currently unknown. ClinVar contains an entry for this variant (Variation ID: 1479701). This variant has not been reported in the literature in individuals affected with TMEM127-related conditions. This variant is not present in population databases (gnomAD no frequency). This sequence change results in a frameshift in the TMEM127 gene (p.Glu225Glyfs*82). While this is not anticipated to result in nonsense mediated decay, it is expected to disrupt the last 14 amino acid(s) of the TMEM127 protein and extend the protein by 67 additional amino acid residues.

NM_017849.4(TMEM127):c.674del (p.Glu225fs)

Gene: TMEM127 (transmembrane protein 127; minus strand). Cytogenetic location: 2q11.2.
Variant type: Deletion.
Coding change: c.674del on transcript NM_017849.4 (MANE Select); coding-DNA position 674, one base deleted (A; older notation c.674delA).
Protein change: p.Glu225fs; shifts the reading frame from glutamic acid 225.
Molecular consequence: frameshift variant.
Genome position (GRCh38, 1-based): chr2:96,253,851, T deleted on the plus strand (A on the coding strand, the reverse complement: TMEM127 is on the minus strand). VCF-style (leftmost placement, unchanged base first): chr2-96253850-CT-C. GRCh37 (hg19) VCF-style: chr2-96919588-CT-C.
Other names: c.674del, p.Glu225fs (NM_001193304.3); short protein forms E225fs.
Identifiers: ClinVar variation 1479701 (VCV001479701.6), dbSNP rs2104282864, ClinGen allele CA2573135935.